The following is an entry in ClinVar:

ClinVar aggregate classification (germline): Benign (1 of 4 stars; one submission).

Conditions:
Papillary renal cell carcinoma type 1 (RCCP1). Also called: RENAL CELL CARCINOMA, PAPILLARY, 1, SOMATIC; Renal adenocarcinoma; Renal cell carcinoma 1; Renal cell carcinoma, somatic. Identifiers: Orphanet 47044, MedGen C1336839, OMIM 605074, HP:0011797.

Allele frequency attached by ClinVar (database versions not stated): 1000 Genomes Project 0.00080; 1000 Genomes Project 30x 0.00125; gnomAD 0.00138 and 0.00150; gnomAD exomes 0.00144; TOPMed 0.00155.
gnomAD v4.1: 323 of 228,034 alleles (0.14%); highest among the groups gnomAD compares: Admixed American, 0.39%; no homozygotes.

Submission:

Illumina Laboratory Services, Illumina
Classification: Benign for Papillary renal cell carcinoma type 1. Last evaluated: 2018-01-12. Review status: criteria provided, single submitter. Criteria: ICSL Variant Classification Criteria 13 December 2019. Collection method: clinical testing. Allele origin: germline.
Comment: This variant was observed in the ICSL laboratory as part of a predisposition screen in an ostensibly healthy population. It had not been previously curated by ICSL or reported in the Human Gene Mutation Database (HGMD: prior to June 1st, 2018), and was therefore a candidate for classification through an automated scoring system. Utilizing variant allele frequency, disease prevalence and penetrance estimates, and inheritance mode, an automated score was calculated to assess if this variant is too frequent to cause the disease. Based on the score and internal cut-off values, a variant classified as benign is not then subjected to further curation. The score for this variant resulted in a classification of benign for this disease.

NM_000245.4(MET):c.*1224C>T

Gene: MET (MET proto-oncogene, receptor tyrosine kinase; plus strand). Cytogenetic location: 7q31.2.
Variant type: single nucleotide variant.
Coding change: c.*1224C>T on transcript NM_000245.4 (MANE Select); 1224 bases downstream of the stop codon, C replaced by T.
Molecular consequence: 3 prime UTR variant.
Genome position (GRCh38, 1-based): chr7:116,797,348, C>T. VCF-style: chr7-116797348-C-T. GRCh37 (hg19) VCF-style: chr7-116437402-C-T.
Other names: c.*1224C>T (LRG_662t1, NM_001127500.3, NM_001324402.2).
Identifiers: ClinVar variation 358715 (VCV000358715.5), dbSNP rs149713628, ClinGen allele CA10623062.